The following is an entry in ClinVar:

NM_020964.3(EPG5):c.2960A>G (p.Asn987Ser)

Gene: EPG5 (ectopic P-granules 5 autophagy tethering factor; minus strand). Cytogenetic location: 18q21.1.
Variant type: single nucleotide variant.
Coding change: c.2960A>G on transcript NM_020964.3 (MANE Select); coding-DNA position 2960, A replaced by G.
Protein change: p.Asn987Ser; replaces asparagine 987 with serine.
Molecular consequence: missense variant.
Genome position (GRCh38, 1-based): chr18:45,922,479, T>C on the plus strand (A>G on the coding strand, the complement: EPG5 is on the minus strand). VCF-style: chr18-45922479-T-C. GRCh37 (hg19) VCF-style: chr18-43502445-T-C.
Other names: short protein forms N987S.
Identifiers: ClinVar variation 1431880 (VCV001431880.7), dbSNP rs1253995415, ClinGen allele CA402344263.
Genomic context (GRCh38, chr18:45,922,479, plus strand): 5'-TGAAACGTGGGTGACTCTGTCATGTCAGGCACAGTGACGGAGAAGGGAACAGCTGGACAA[T>C]TCGGCTGTATTCCATAATCGTTTTTGTGCAGTTTTAGCCTCAAGATTAAATTCCAGGCCC-3'
Protein context (NP_066015.2, residues 977-997): LHKNDYGIQP[Asn987Ser]CPAVPFSVTV

ClinVar aggregate classification (germline): Uncertain significance (1 of 4 stars; one submission).

Conditions:
Vici syndrome (VICIS). Identifiers: Orphanet 1493, MedGen C1855772, MONDO:0009452, OMIM 242840.

Allele frequency attached by ClinVar (database versions not stated): TOPMed below 0.00001; gnomAD 0.00001.
gnomAD v4.1: 4 of 1,614,086 alleles (0.00025%); highest among the groups gnomAD compares: Non-Finnish European, 0.00017%; no homozygotes.

Submission:

Labcorp Genetics (formerly Invitae), Labcorp
Classification: Uncertain significance for Vici syndrome. Last evaluated: 2025-11-03. Review status: criteria provided, single submitter. Criteria: Invitae Variant Classification Sherloc (09022015). Collection method: clinical testing. Allele origin: germline.
Comment: This sequence change replaces asparagine, which is neutral and polar, with serine, which is neutral and polar, at codon 987 of the EPG5 protein (p.Asn987Ser). This variant is not present in population databases (gnomAD no frequency). This variant has not been reported in the literature in individuals affected with EPG5-related conditions. ClinVar contains an entry for this variant (Variation ID: 1431880). Invitae Evidence Modeling of protein sequence and biophysical properties (such as structural, functional, and spatial information, amino acid conservation, physicochemical variation, residue mobility, and thermodynamic stability) indicates that this missense variant is not expected to disrupt EPG5 protein function with a negative predictive value of 80%. In summary, the available evidence is currently insufficient to determine the role of this variant in disease. Therefore, it has been classified as a Variant of Uncertain Significance.